The following is an entry in ClinVar:

NM_001128164.2(ATXN1):c.556A>T (p.Ser186Cys)

Gene: ATXN1 (ataxin 1; minus strand). Cytogenetic location: 6p22.3.
Variant type: single nucleotide variant.
Coding change: c.556A>T on transcript NM_001128164.2 (MANE Select); coding-DNA position 556, A replaced by T.
Protein change: p.Ser186Cys; replaces serine 186 with cysteine.
Molecular consequence: missense variant.
Genome position (GRCh38, 1-based): chr6:16,327,755, T>A on the plus strand (A>T on the coding strand, the complement: ATXN1 is on the minus strand). VCF-style: chr6-16327755-T-A. GRCh37 (hg19) VCF-style: chr6-16327986-T-A.
Other names: c.556A>T, p.Ser186Cys (NM_000332.4); c.527A>T, p.Gln176Leu (NM_001357857.2); c.556A>T (NM_000332.3); short protein forms Q176L, S186C.
Identifiers: ClinVar variation 1284911 (VCV001284911.30), dbSNP rs112175378, ClinGen allele CA3645603.

ClinVar aggregate classification (germline): Likely benign. Review status: criteria provided, multiple submitters, no conflicts (2 of 4 stars). 6 submissions from 6 submitters: Likely benign (3). 3 of the submissions do not count toward it. Last evaluated 2026-02-01.

Conditions:
ATXN1-related disorder. Also called: ATXN1-related condition.

Allele frequency attached by ClinVar (database versions not stated): 1000 Genomes Project 0.00080; 1000 Genomes Project 30x 0.00094; TOPMed 0.00205; gnomAD 0.00254 and 0.00256; ESP Exome Variant Server 0.00255; ExAC 0.00337.
gnomAD v4.1: 4,791 of 1,608,792 alleles (0.3%); highest among the groups gnomAD compares: Non-Finnish European, 0.32%; 7 homozygotes.

Submissions (6):

CeGaT Center for Human Genetics Tuebingen
Classification: Likely benign. Last evaluated: 2026-02-01. Review status: criteria provided, single submitter. Criteria: CeGaT Center For Human Genetics Tuebingen Variant Classification Criteria Version 2. Collection method: clinical testing. Allele origin: germline. Affected: yes. Observed: 3 variant alleles.
Comment: ATXN1: BP4, BS1

Blueprint Genetics
Classification: Likely benign. Last evaluated: 2024-11-22. Review status: criteria provided, single submitter. Criteria: ACMG Guidelines, 2015. Collection method: clinical testing. Allele origin: germline.

Breakthrough Genomics
Classification: Likely benign. Review status: criteria provided, single submitter. Criteria: ACMG Guidelines, 2015. Collection method: not provided. Allele origin: germline. Inheritance: Autosomal dominant inheritance. Affected: yes.

PreventionGenetics, part of Exact Sciences
Classification: Likely benign for ATXN1-related condition. Last evaluated: 2019-12-26. Review status: no assertion criteria provided. Collection method: clinical testing. Allele origin: germline. Not counted in ClinVar's aggregate classification.
Comment: This variant is classified as likely benign based on ACMG/AMP sequence variant interpretation guidelines (Richards et al. 2015 PMID: 25741868, with internal and published modifications).

Clinical Genetics DNA and cytogenetics Diagnostics Lab, Erasmus MC, Erasmus Medical Center
Classification: Likely benign. Review status: no assertion criteria provided. Collection method: clinical testing. Allele origin: germline. Affected: yes. Study: VKGL Data-share Consensus. Not counted in ClinVar's aggregate classification.

Genome Diagnostics Laboratory, University Medical Center Utrecht
Classification: Likely benign. Review status: no assertion criteria provided. Collection method: clinical testing. Allele origin: germline. Affected: yes. Study: VKGL Data-share Consensus. Not counted in ClinVar's aggregate classification.